The following is an entry in ClinVar:

NM_015557.3(CHD5):c.892G>A (p.Glu298Lys)

Gene: CHD5 (chromodomain helicase DNA binding protein 5; minus strand). Cytogenetic location: 1p36.31.
Variant type: single nucleotide variant.
Coding change: c.892G>A on transcript NM_015557.3 (MANE Select); coding-DNA position 892, G replaced by A.
Protein change: p.Glu298Lys; replaces glutamic acid 298 with lysine.
Molecular consequence: missense variant.
Genome position (GRCh38, 1-based): chr1:6,151,134, C>T on the plus strand (G>A on the coding strand, the complement: CHD5 is on the minus strand). VCF-style: chr1-6151134-C-T. GRCh37 (hg19) VCF-style: chr1-6211194-C-T.
Other names: short protein forms E298K.
Identifiers: ClinVar variation 4976172 (VCV004976172.1).
Genomic context (GRCh38, chr1:6,151,134, plus strand): 5'-CTGCAGAGCATTCGGAGCGCACGGAGGCACTGTGGATGCTGGCGCTGTCGAAGTCCGACT[C>T]CTCCCTCTCATCTTCTTCACTCTGCAGGGGAAGACAGGGTCCTGTGATCCCAGGGCTTCA-3'
Protein context (NP_056372.1, residues 288-308): GSSSEEDERE[Glu298Lys]SDFDSASIHS

ClinVar aggregate classification (germline): Uncertain significance (1 of 4 stars; one submission).

Submission:

GeneDx
Classification: Uncertain significance. Last evaluated: 2026-02-03. Review status: criteria provided, single submitter. Criteria: GeneDx Variant Classification Process June 2021. Collection method: clinical testing. Allele origin: germline.
Comment: Not observed at significant frequency in large population cohorts (gnomAD); In silico analysis supports that this missense variant has a deleterious effect on protein structure/function; Has not been previously published as pathogenic or benign to our knowledge